The following is an entry in ClinVar:

ClinVar aggregate classification (germline): Pathogenic/Likely pathogenic. Review status: criteria provided, multiple submitters, no conflicts (2 of 4 stars). 2 submissions from 2 submitters: Pathogenic (1); Likely pathogenic (1). Last evaluated 2024-03-14.

Conditions:
Maple syrup urine disease (MSUD). Identifiers: Orphanet 511, MedGen C0024776, MeSH D008375, MONDO:0009563. Disease mechanism: loss of function.

Submissions (2):

Labcorp Genetics (formerly Invitae), Labcorp
Classification: Pathogenic for Maple syrup urine disease. Last evaluated: 2024-03-14. Review status: criteria provided, single submitter. Criteria: Invitae Variant Classification Sherloc (09022015). Collection method: clinical testing. Allele origin: germline.
Comment: This sequence change creates a premature translational stop signal (p.Phe276Leufs*19) in the DBT gene. It is expected to result in an absent or disrupted protein product. Loss-of-function variants in DBT are known to be pathogenic (PMID: 16579849, 16786533). This variant is not present in population databases (gnomAD no frequency). This variant has not been reported in the literature in individuals affected with DBT-related conditions. For these reasons, this variant has been classified as Pathogenic.

Baylor Genetics
Classification: Likely pathogenic for Maple syrup urine disease type 1A. Last evaluated: 2021-12-08. Review status: criteria provided, single submitter. Criteria: ACMG Guidelines, 2015. Collection method: clinical testing. Allele origin: unknown.

Literature cited by the submitters: PubMed 16579849 (cited by Labcorp Genetics (formerly Invitae), Labcorp); PubMed 16786533 (cited by Labcorp Genetics (formerly Invitae), Labcorp).

NM_001918.5(DBT):c.828del (p.Phe276fs)

Gene: DBT (dihydrolipoamide branched chain transacylase E2; minus strand). Cytogenetic location: 1p21.2.
Variant type: Deletion.
Coding change: c.828del on transcript NM_001918.5 (MANE Select); coding-DNA position 828, one base deleted (T; older notation c.828delT).
Protein change: p.Phe276fs; shifts the reading frame from phenylalanine 276.
Molecular consequence: frameshift variant. On other transcripts: non-coding transcript variant (4).
Genome position (GRCh38, 1-based): chr1:100,214,928, A deleted on the plus strand (T on the coding strand, the reverse complement: DBT is on the minus strand); the first of 4 consecutive A bases (chr1:100,214,928-100,214,931); deleting any one gives the same sequence. VCF-style (leftmost placement, unchanged base first): chr1-100214927-CA-C. GRCh37 (hg19) VCF-style: chr1-100680483-CA-C.
Other names: c.285del, p.Phe95fs (NM_001399969.1, NM_001399972.1); c.828del (NM_001918.3); short protein forms F276fs, F95fs.
Identifiers: ClinVar variation 2674741 (VCV002674741.5), dbSNP rs2524147800, ClinGen allele CA2695198067.